The following is an entry in ClinVar:

ClinVar aggregate classification (germline): Conflicting classifications of pathogenicity. Review status: criteria provided, conflicting classifications (1 of 4 stars). 3 submissions from 3 submitters: Uncertain significance (2); Likely benign (1). Last evaluated 2025-06-29.

Conditions:
Left-right axis malformations. Identifiers: MedGen C1866091.

Allele frequency attached by ClinVar (database versions not stated): TOPMed 0.00002; gnomAD 0.00003 and 0.00002; ExAC 0.00004.
gnomAD v4.1: 53 of 1,613,910 alleles (0.0033%); highest among the groups gnomAD compares: Middle Eastern, 0.017%; no homozygotes.

Submissions (3):

Ambry Genetics
Classification: Uncertain significance. Last evaluated: 2025-06-29. Review status: criteria provided, single submitter. Criteria: Ambry Variant Classification Scheme 2023. Collection method: clinical testing. Allele origin: germline.

Blueprint Genetics
Classification: Likely benign. Last evaluated: 2022-09-26. Review status: criteria provided, single submitter. Criteria: ACMG Guidelines, 2015. Collection method: clinical testing. Allele origin: germline.

Labcorp Genetics (formerly Invitae), Labcorp
Classification: Uncertain significance for Left-right axis malformations. Last evaluated: 2022-08-05. Review status: criteria provided, single submitter. Criteria: Invitae Variant Classification Sherloc (09022015). Collection method: clinical testing. Allele origin: germline.
Comment: This variant is present in population databases (rs747778361, gnomAD 0.02%). This variant has not been reported in the literature in individuals affected with LEFTY2-related conditions. ClinVar contains an entry for this variant (Variation ID: 406796). Algorithms developed to predict the effect of missense changes on protein structure and function output the following: SIFT: "Deleterious"; PolyPhen-2: "Benign"; Align-GVGD: "Class C0". The leucine amino acid residue is found in multiple mammalian species, which suggests that this missense change does not adversely affect protein function. In summary, the available evidence is currently insufficient to determine the role of this variant in disease. Therefore, it has been classified as a Variant of Uncertain Significance. This sequence change replaces methionine, which is neutral and non-polar, with leucine, which is neutral and non-polar, at codon 346 of the LEFTY2 protein (p.Met346Leu).

NM_003240.5(LEFTY2):c.1036A>C (p.Met346Leu)

Gene: LEFTY2 (left-right determination factor 2; minus strand). Cytogenetic location: 1q42.12.
Variant type: single nucleotide variant.
Coding change: c.1036A>C on transcript NM_003240.5 (MANE Select); coding-DNA position 1036, A replaced by C.
Protein change: p.Met346Leu; replaces methionine 346 with leucine.
Molecular consequence: missense variant.
Genome position (GRCh38, 1-based): chr1:225,937,506, T>G on the plus strand (A>C on the coding strand, the complement: LEFTY2 is on the minus strand). VCF-style: chr1-225937506-T-G. GRCh37 (hg19) VCF-style: chr1-226125206-T-G.
Other names: c.934A>C, p.Met312Leu (NM_001172425.3); short protein forms M346L, M312L.
Identifiers: ClinVar variation 406796 (VCV000406796.12), dbSNP rs747778361, ClinGen allele CA1420419.
Genomic context (GRCh38, chr1:225,937,506, plus strand): 5'-GCTGGAGCCTCCTTGGCACGAGCGCCCCATCCGAGGCACAGCTGCACTTCTGCACCCTCA[T>G]GTTGGGCAGGCTGACCACCTGGGGCCTGGTCCTGCCTCCCTCCTTGATGCTGACGATCAT-3'
Protein context (NP_003231.2, residues 336-356): TRPQVVSLPN[Met346Leu]RVQKCSCASD